The following is an entry in ClinVar:

NM_005619.5(RTN2):c.332G>A (p.Ser111Asn)

Genes: OPA3-RTN2 (OPA3-RTN2 readthrough; minus strand), RTN2 (reticulon 2; minus strand). Cytogenetic location: 19q13.32.
Variant type: single nucleotide variant.
Coding change: c.332G>A on transcript NM_005619.5 (MANE Select); coding-DNA position 332, G replaced by A.
Protein change: p.Ser111Asn; replaces serine 111 with asparagine.
Molecular consequence: missense variant.
Genome position (GRCh38, 1-based): chr19:45,494,753, C>T on the plus strand (G>A on the coding strand, the complement: RTN2 is on the minus strand). VCF-style: chr19-45494753-C-T. GRCh37 (hg19) VCF-style: chr19-45998011-C-T.
Other names: c.332G>A, p.Ser111Asn (NM_206900.3); short protein forms S111N.
Identifiers: ClinVar variation 4527255 (VCV004527255.1).

ClinVar aggregate classification (germline): Uncertain significance (1 of 4 stars; one submission).

Submission:

GeneDx
Classification: Uncertain significance. Last evaluated: 2025-04-23. Review status: criteria provided, single submitter. Criteria: GeneDx Variant Classification Process June 2021. Collection method: clinical testing. Allele origin: germline. Affected: yes.
Comment: Not observed at significant frequency in large population cohorts (gnomAD); In silico analysis indicates that this missense variant does not alter protein structure/function; Has not been previously published as pathogenic or benign to our knowledge